The following is an entry in ClinVar:

ClinVar aggregate classification (germline): Uncertain significance (1 of 4 stars; one submission).

gnomAD v4.1: 17 of 1,610,342 alleles (0.0011%); highest among the groups gnomAD compares: Non-Finnish European, 0.0014%; no homozygotes.

Submission:

Labcorp Genetics (formerly Invitae), Labcorp
Classification: Uncertain significance. Last evaluated: 2025-04-13. Review status: criteria provided, single submitter. Criteria: Invitae Variant Classification Sherloc (09022015). Collection method: clinical testing. Allele origin: germline.
Comment: This sequence change replaces glycine, which is neutral and non-polar, with arginine, which is basic and polar, at codon 29 of the MAPKAPK3 protein (p.Gly29Arg). This variant is present in population databases (rs373642329, gnomAD 0.002%). This variant has not been reported in the literature in individuals affected with MAPKAPK3-related conditions. ClinVar contains an entry for this variant (Variation ID: 1514229). An algorithm developed to predict the effect of missense changes on protein structure and function (PolyPhen-2) suggests that this variant is likely to be disruptive. In summary, the available evidence is currently insufficient to determine the role of this variant in disease. Therefore, it has been classified as a Variant of Uncertain Significance.

NM_001243925.2(MAPKAPK3):c.85G>C (p.Gly29Arg)

Gene: MAPKAPK3 (MAPK activated protein kinase 3; plus strand). Cytogenetic location: 3p21.2.
Variant type: single nucleotide variant.
Coding change: c.85G>C on transcript NM_001243925.2 (MANE Select); coding-DNA position 85, G replaced by C.
Protein change: p.Gly29Arg; replaces glycine 29 with arginine.
Molecular consequence: missense variant.
Genome position (GRCh38, 1-based): chr3:50,617,650, G>C. VCF-style: chr3-50617650-G-C. GRCh37 (hg19) VCF-style: chr3-50655081-G-C.
Other names: c.85G>C, p.Gly29Arg (NM_001243926.2, NM_004635.5); short protein forms G29R.
Identifiers: ClinVar variation 1514229 (VCV001514229.6), dbSNP rs373642329, ClinGen allele CA2420154.